The following is an entry in ClinVar:

ClinVar aggregate classification (germline): Uncertain significance. Review status: criteria provided, single submitter (1 of 4 stars). 2 submissions from 2 submitters: Uncertain significance (1). 1 of the submissions does not count toward it. Last evaluated 2021-09-01.

Conditions:
Autosomal recessive limb-girdle muscular dystrophy type 2B (LGMDR2). Also called: MUSCULAR DYSTROPHY, LIMB-GIRDLE, TYPE 3; MUSCULAR DYSTROPHY, LIMB-GIRDLE, AUTOSOMAL RECESSIVE 2; Limb-Girdle Muscular Dystrophy Type 2B (LGMD2B); Limb-girdle muscular dystrophy, type 2B. Identifiers: Orphanet 268, MedGen C1850889, MONDO:0009676, OMIM 253601.
Neuromuscular disease caused by qualitative or quantitative defects of dysferlin. Also called: Qualitative or quantitative defects of dysferlin; Dysferlinopathy. Identifiers: Orphanet 207073, MedGen C2931687, MONDO:0016145.

Allele frequency attached by ClinVar (database versions not stated): gnomAD exomes below 0.00001; ExAC 0.00001.

Submissions (2):

Labcorp Genetics (formerly Invitae), Labcorp
Classification: Uncertain significance for Neuromuscular disease caused by qualitative or quantitative defects of dysferlin. Last evaluated: 2021-09-01. Review status: criteria provided, single submitter. Criteria: Invitae Variant Classification Sherloc (09022015). Collection method: clinical testing. Allele origin: germline.
Comment: This sequence change replaces glutamine with proline at codon 1533 of the DYSF protein (p.Gln1533Pro). The glutamine residue is moderately conserved and there is a moderate physicochemical difference between glutamine and proline. This variant is present in population databases (rs751126464, ExAC 0.01%). This variant has not been reported in the literature in individuals affected with DYSF-related conditions. Algorithms developed to predict the effect of missense changes on protein structure and function are either unavailable or do not agree on the potential impact of this missense change (SIFT: "Tolerated"; PolyPhen-2: "Possibly Damaging"; Align-GVGD: "Class C0"). In summary, the available evidence is currently insufficient to determine the role of this variant in disease. Therefore, it has been classified as a Variant of Uncertain Significance.

Natera, Inc.
Classification: Uncertain significance for Limb-girdle muscular dystrophy type 2B. Last evaluated: 2021-04-02. Review status: no assertion criteria provided. Collection method: clinical testing. Allele origin: germline. Not counted in ClinVar's aggregate classification.

NM_001130987.2(DYSF):c.4715A>C (p.Gln1572Pro)

Gene: DYSF (dysferlin; plus strand). Cytogenetic location: 2p13.2.
Variant type: single nucleotide variant.
Coding change: c.4715A>C on transcript NM_001130987.2 (MANE Select); coding-DNA position 4715, A replaced by C.
Protein change: p.Gln1572Pro; replaces glutamine 1572 with proline.
Molecular consequence: missense variant.
Genome position (GRCh38, 1-based): chr2:71,656,250, A>C. VCF-style: chr2-71656250-A-C. GRCh37 (hg19) VCF-style: chr2-71883380-A-C.
Other names: c.4601A>C, p.Gln1534Pro (NM_001130455.2); c.4556A>C, p.Gln1519Pro (NM_001130976.2); c.4619A>C, p.Gln1540Pro (NM_001130977.2); c.4661A>C, p.Gln1554Pro (NM_001130978.2); c.4691A>C, p.Gln1564Pro (NM_001130979.2); c.4649A>C, p.Gln1550Pro (NM_001130980.2); c.4712A>C, p.Gln1571Pro (NM_001130981.2); c.4694A>C, p.Gln1565Pro (NM_001130982.2); and 5 more; short protein forms Q1534P, Q1551P, Q1519P, Q1520P, Q1540P, Q1550P, Q1533P, Q1541P.
Identifiers: ClinVar variation 645326 (VCV000645326.4), dbSNP rs751126464, ClinGen allele CA1707112.
Genomic context (GRCh38, chr2:71,656,250, plus strand): 5'-AGGCCTTTGAGGGCCTGTCTGACTTTTGTAACACCTTCAAGCTGTACCGGGGCAAGACGC[A>C]GGAGGAGACAGAAGATCCATCTGTGATTGGTGAATTTAAGGTAAATCCTCGAAGACGTCC-3'
Protein context (NP_001124459.1, residues 1562-1582): NTFKLYRGKT[Gln1572Pro]EETEDPSVIG